The following is an entry in ClinVar:

NM_000535.7(PMS2):c.803+11dup

Gene: PMS2 (PMS1 homolog 2, mismatch repair system component; minus strand). Cytogenetic location: 7p22.1.
Variant type: Duplication.
Coding change: c.803+11dup on transcript NM_000535.7 (MANE Select); 11 bases into the intron after coding-DNA position 803, one base duplicated (T; older notation c.803+11dupT).
Molecular consequence: intron variant.
Genome position (GRCh38, 1-based): chr7:5,997,315, A duplicated on the plus strand (T on the coding strand, the reverse complement: PMS2 is on the minus strand); the first of 2 consecutive A bases (chr7:5,997,315-5,997,316); duplicating either gives the same sequence. VCF-style (leftmost placement, unchanged base first): chr7-5997314-C-CA. GRCh37 (hg19) VCF-style: chr7-6036945-C-CA.
Other names: c.485+11dup (NM_001322008.2, NM_001322007.2); c.398+11dup (NM_001322010.2, NM_001322004.2, NM_001322003.2 and 2 more transcripts); c.230+11dup (NM_001322013.2); c.-131+11dup (NM_001322012.2, NM_001322011.2); c.494+11dup (NM_001322015.2); c.803+11dup (NM_001322006.2, NM_001322014.2); c.803+11dupT (NM_000535.5).
Identifiers: ClinVar variation 419953 (VCV000419953.3), dbSNP rs1554301378, ClinGen allele CA16618522.

ClinVar aggregate classification (germline): Likely benign. Review status: criteria provided, multiple submitters, no conflicts (2 of 4 stars). 2 submissions from 2 submitters: Likely benign (2). Last evaluated 2018-07-03.

Conditions:
Hereditary cancer-predisposing syndrome. Also called: Hereditary neoplastic syndrome; Tumor predisposition; Neoplastic Syndromes, Hereditary; Hereditary Cancer Syndrome. Identifiers: Orphanet 140162, MedGen C0027672, MeSH D009386, MONDO:0015356.

Submissions (2):

Color Diagnostics, LLC DBA Color Health
Classification: Likely benign for Hereditary cancer-predisposing syndrome. Last evaluated: 2018-07-03. Review status: criteria provided, single submitter. Criteria: ACMG Guidelines, 2015. Collection method: clinical testing. Allele origin: germline.

GeneDx
Classification: Likely benign. Last evaluated: 2015-11-06. Review status: criteria provided, single submitter. Criteria: GeneDx Variant Classification (06012015). Collection method: clinical testing. Allele origin: germline. Affected: yes.
Comment: This variant is considered likely benign or benign based on one or more of the following criteria: it is a conservative change, it occurs at a poorly conserved position in the protein, it is predicted to be benign by multiple in silico algorithms, and/or has population frequency not consistent with disease.